The following is an entry in ClinVar:

NM_016373.4(WWOX):c.173-91G>T

Gene: WWOX (WW domain containing oxidoreductase; plus strand). Cytogenetic location: 16q23.1.
Variant type: single nucleotide variant.
Coding change: c.173-91G>T on transcript NM_016373.4 (MANE Select); 91 bases into the intron before coding-DNA position 173, G replaced by T.
Molecular consequence: intron variant.
Genome position (GRCh38, 1-based): chr16:78,109,687, G>T. VCF-style: chr16-78109687-G-T. GRCh37 (hg19) VCF-style: chr16-78143584-G-T.
Other names: c.-167-91G>T (NM_001291997.2); c.173-91G>T (NM_130791.5).
Identifiers: ClinVar variation 672975 (VCV000672975.2), dbSNP rs117470523, ClinGen allele CA284517570.

ClinVar aggregate classification (germline): Likely benign. Review status: criteria provided, multiple submitters, no conflicts (2 of 4 stars). 2 submissions from 2 submitters: Likely benign (2). Last evaluated 2018-06-19.

Allele frequency attached by ClinVar (database versions not stated): 1000 Genomes Project 0.01877; TOPMed 0.03353; gnomAD 0.03440 and 0.03495; gnomAD exomes 0.04558.
gnomAD v4.1: 58,049 of 1,315,594 alleles (4.4%); highest among the groups gnomAD compares: Non-Finnish European, 5.2%; 1,560 homozygotes.

Submissions (2):

GeneDx
Classification: Likely benign. Last evaluated: 2018-06-19. Review status: criteria provided, single submitter. Criteria: GeneDx Variant Classification (06012015). Collection method: clinical testing. Allele origin: germline. Affected: yes.
Comment: This variant is considered likely benign or benign based on one or more of the following criteria: it is a conservative change, it occurs at a poorly conserved position in the protein, it is predicted to be benign by multiple in silico algorithms, and/or has population frequency not consistent with disease.

Breakthrough Genomics
Classification: Likely benign. Review status: criteria provided, single submitter. Criteria: ACMG Guidelines, 2015. Collection method: not provided. Allele origin: germline. Inheritance: Autosomal recessive inheritance. Affected: yes.